The following is an entry in ClinVar:

ClinVar aggregate classification (germline): not provided (0 of 4 stars; one submission).

Allele frequency attached by ClinVar (database versions not stated): ExAC 0.00003; gnomAD exomes 0.00003 and 0.00006; TOPMed 0.00003; gnomAD 0.00005; 1000 Genomes Project 30x 0.00016; 1000 Genomes Project 0.00020.
gnomAD v4.1: 53 of 1,614,190 alleles (0.0033%); highest among the groups gnomAD compares: Middle Eastern, 0.016%; no homozygotes.

Submission:

ITMI
No classification provided. Condition: AllHighlyPenetrant. Last evaluated: 2013-09-19. Review status: no classification provided. Collection method: reference population. Allele origin: germline.
Comment: Please see associated publication for description of ethnicities

Literature cited by the submitters: PubMed 24728327.

NM_001077706.3(ECT2L):c.2479C>T (p.Arg827Trp)

Gene: ECT2L (epithelial cell transforming 2 like; plus strand). Cytogenetic location: 6q24.1.
Variant type: single nucleotide variant.
Coding change: c.2479C>T on transcript NM_001077706.3 (MANE Select); coding-DNA position 2479, C replaced by T.
Protein change: p.Arg827Trp; replaces arginine 827 with tryptophan.
Molecular consequence: missense variant.
Genome position (GRCh38, 1-based): chr6:138,901,012, C>T. VCF-style: chr6-138901012-C-T. GRCh37 (hg19) VCF-style: chr6-139222149-C-T.
Other names: c.2479C>T, p.Arg827Trp (NM_001195037.2); short protein forms R827W.
Identifiers: ClinVar variation 134002 (VCV000134002.1), dbSNP rs539507764, ClinGen allele CA158384.